The following is an entry in ClinVar:

ClinVar aggregate classification (germline): Pathogenic. Review status: reviewed by expert panel (3 of 4 stars). 9 submissions from 9 submitters: Pathogenic (1). 8 of the submissions do not count toward it. Last evaluated 2026-01-25.

Conditions:
RPGR-related retinopathy. Also called: RPGR retinopathy. Identifiers: MedGen CN305589, MONDO:0100437.
Retinal dystrophy. Also called: Inherited retinal dystrophy. Identifiers: Orphanet 71862, MedGen C0854723, MeSH D058499, MONDO:0019118, HP:0000556.
Retinitis pigmentosa (RP). Identifiers: Orphanet 791, MedGen C0035334, MeSH D012174, MONDO:0019200, OMIM 268000. Inheritance: Autosomal dominant, autosomal recessive and X linked inheritance.
Primary ciliary dyskinesia. Also called: Ciliary dyskinesia. Identifiers: Orphanet 244, MedGen C0008780, MONDO:0016575, HP:0012265.
Retinitis pigmentosa 3. Also called: CHOROIDORETINAL DEGENERATION WITH RETINAL REFLEX IN HETEROZYGOUS WOMEN. Identifiers: Orphanet 791, MedGen C1845667, MONDO:0010227, OMIM 300029.
RPGR-related disorder. Also called: RPGR-related condition.

Submissions (9):

ClinGen X-linked Inherited Retinal Disease Variant Curation Expert Panel, ClinGen
Classification: Pathogenic for RPGR-related retinopathy. Last evaluated: 2026-01-25. Review status: reviewed by expert panel. Criteria: ClinGen X LinkedIRD ACMG Specifications RPGR V1.0.0. Collection method: curation. Allele origin: germline. Inheritance: X-linked inheritance.
Comment: NM_001034853.2(RPGR):c.1234C>T (p.Arg412Ter) is a nonsense variant that introduces a premature stop codon in exon 10 of 15, which is predicted to trigger nonsense-mediated decay (PVS1). This variant is absent from hemizygous individuals in gnomAD v4.1.0 (PM2_Supporting). At least one proband harboring this variant exhibits a phenotype including a family history consistent with X-linked inheritance showing no male-to-male transmission (2 pts) and female carriers showing milder symptoms (1 pt), night blindness (0.5 pts), visual acuity reduction (0.5 pts), myopia (0.5 pts), and non-recordable electroretinogram responses, with genotyping by whole exome sequencing panel identifying no alternative basis for retinal disease (2 pts), which together are specific for RPGR-related retinopathy (6.5 points, PMID: 32702353, PP4). This variant has been reported in at least 1 proband meeting one of the PS4 requirements of a male with some functional vision impairment by age 30 years and/or decreased or absent electroretinogram responses, or a female with functional visual abnormality and documentation of a male relative affected with retinitis pigmentosa, as well as a second apparently unrelated proband previously used for the PP4 code (PMID: 24938718, PMID: 34745198, PMID: 32702353, PS4_Supporting). The variant has been reported to segregate with retinal dystrophy through at least 2 affected meioses from at least 1 family (PP1; PMID: 24938718). In summary, this variant is classified as pathogenic for RPGR-related retinopathy based on the ClinGen X-linked Inherited Retinal Disease Expert Panel Specifications to the ACMG/AMP Variant Interpretation Guidelines for RPGR Version 1.0.0; PVS1, PM2_Supporting, PP1, PP4, and PS4_Supporting.

Research Institute for Ophthalmology and Vision Science, Shahid Beheshti University of Medical Sciences
Classification: Pathogenic for Retinitis pigmentosa. Last evaluated: 2025-12-08. Review status: criteria provided, single submitter. Criteria: ACMG Guidelines, 2015. Collection method: research. Allele origin: inherited. Inheritance: X-linked recessive inheritance. Affected: yes. Not counted in ClinVar's aggregate classification.
Comment: This variant results in a premature translational stop codon. It is absent from population databases. ClinVar lists this variant, and in silico splice prediction tools indicate that this change may disrupt the consensus splice site.

3billion
Classification: Pathogenic for Retinitis pigmentosa 3. Last evaluated: 2025-10-02. Review status: criteria provided, single submitter. Criteria: ACMG Guidelines, 2015. Collection method: clinical testing. Allele origin: germline. Affected: yes. Not counted in ClinVar's aggregate classification.
Comment: The variant is not observed in the gnomAD v4.1.0 dataset. Predicted Consequence/Location: Stop-gained (nonsense): predicted to result in a loss or disruption of normal protein function through nonsense-mediated decay (NMD) or protein truncation. Multiple pathogenic variants are reported downstream of the variant. The variant has been reported at least twice as pathogenic with clinical assertions and evidence for the classification (ClinVar ID: VCV000636102 /PMID: 11992260 /3billion dataset). Therefore, this variant is classified as Pathogenic according to the recommendation of ACMG/AMP guideline.

Myriad Genetics, Inc.
Classification: Pathogenic for RPGR-related retinopathy. Last evaluated: 2025-06-24. Review status: criteria provided, single submitter. Criteria: Myriad Autosomal Dominant, Autosomal Recessive and X-Linked Classification Criteria (2023). Collection method: clinical testing. Allele origin: unknown. Not counted in ClinVar's aggregate classification.
Comment: NM_000328.2(RPGR):c.1234C>T(R412*) is expected to be pathogenic in the context of X-linked retinal dystrophy, RPGR-related. This variant is predicted to lead to an abnormal or absent protein product due to the creation of a premature termination codon in RPGR, a gene where loss-of-function variants are known to be pathogenic. Please note: this variant was assessed in the context of healthy population screening.

Labcorp Genetics (formerly Invitae), Labcorp
Classification: Pathogenic for Primary ciliary dyskinesia. Last evaluated: 2025-04-26. Review status: criteria provided, single submitter. Criteria: Invitae Variant Classification Sherloc (09022015). Collection method: clinical testing. Allele origin: germline. Not counted in ClinVar's aggregate classification.
Comment: This sequence change creates a premature translational stop signal (p.Arg412*) in the RPGR gene. It is expected to result in an absent or disrupted protein product. Loss-of-function variants in RPGR are known to be pathogenic (PMID: 16055928, 16969763). This variant is not present in population databases (gnomAD no frequency). This premature translational stop signal has been observed in individual(s) with retinitis pigmentosa (PMID: 11992260, 30917587). This variant is also known as 1293C>T. ClinVar contains an entry for this variant (Variation ID: 636102). Algorithms developed to predict the effect of sequence changes on RNA splicing suggest that this variant may disrupt the consensus splice site. For these reasons, this variant has been classified as Pathogenic.

Blueprint Genetics
Classification: Pathogenic for RPGR-related disorders. Last evaluated: 2023-10-02. Review status: criteria provided, single submitter. Criteria: ACMG Guidelines, 2015. Collection method: clinical testing. Allele origin: germline. Affected: yes. Observed: 5 variant alleles. Not counted in ClinVar's aggregate classification.

Institute of Human Genetics, Univ. Regensburg, Univ. Regensburg
Classification: Pathogenic for Retinal dystrophy. Last evaluated: 2020-01-01. Review status: criteria provided, single submitter. Criteria: ACMG Guidelines, 2015. Collection method: clinical testing. Allele origin: germline. Affected: yes. Not counted in ClinVar's aggregate classification.

PreventionGenetics, part of Exact Sciences
Classification: Pathogenic. Last evaluated: 2017-03-30. Review status: criteria provided, single submitter. Criteria: ACMG Guidelines, 2015. Collection method: clinical testing. Allele origin: germline. Not counted in ClinVar's aggregate classification.

Department of Clinical Genetics, Copenhagen University Hospital, Rigshospitalet
Classification: Likely pathogenic for Retinitis pigmentosa. Last evaluated: 2018-04-01. Review status: no assertion criteria provided. Collection method: research. Allele origin: unknown. Affected: yes. Study: VeluxRD. Not counted in ClinVar's aggregate classification.

Literature cited by the submitters: PubMed 30917587 (cited by Research Institute for Ophthalmology and Vision Science, Shahid Beheshti University of Medical Sciences and Labcorp Genetics (formerly Invitae), Labcorp); PubMed 11992260 (cited by 3billion and Labcorp Genetics (formerly Invitae), Labcorp); PubMed 16055928 (cited by Labcorp Genetics (formerly Invitae), Labcorp); PubMed 16969763 (cited by Labcorp Genetics (formerly Invitae), Labcorp); PubMed 30718709 (cited by Department of Clinical Genetics, Copenhagen University Hospital, Rigshospitalet).

NM_001034853.2(RPGR):c.1234C>T (p.Arg412Ter)

Gene: RPGR (retinitis pigmentosa GTPase regulator; minus strand). Cytogenetic location: Xp11.4.
Variant type: single nucleotide variant.
Coding change: c.1234C>T on transcript NM_001034853.2 (MANE Select); coding-DNA position 1234, C replaced by T.
Protein change: p.Arg412Ter; replaces arginine 412 with a stop codon.
Molecular consequence: nonsense. On other transcripts: non-coding transcript variant (6), intron variant (2).
Genome position (GRCh38, 1-based): chrX:38,298,967, G>A on the plus strand (C>T on the coding strand, the complement: RPGR is on the minus strand). VCF-style: chrX-38298967-G-A. GRCh37 (hg19) VCF-style: chrX-38158220-G-A.
Other names: NM_001034853.2(RPGR):c.1234C>T; p.Arg412Ter; c.1234C>T, p.Arg412Ter (NM_000328.3, NM_001367247.1); c.1231C>T, p.Arg411Ter (NM_001367245.1, NM_001367249.1, NM_001367250.1); c.1264C>T, p.Arg422Ter (NM_001367248.1); c.1060-1515C>T (NM_001367251.1, NM_001367246.1); short protein forms R412*, R422*, R411*.
Identifiers: ClinVar variation 636102 (VCV000636102.16), dbSNP rs1601943268, ClinGen allele CA412739725.
Genomic context (GRCh38, chrX:38,298,967, plus strand): 5'-CTTTGCAGTGCTAGATAATACTATTATACAGAATAGGCCACAATTGTACCCTCTCTCTTC[G>A]CCGCATACGTGCTGATAGAGTCCTCTGCAGTACATTTCCTGAGGTTAAACTGCTATACGG-3'